The following is an entry in ClinVar:

NM_001042492.3(NF1):c.6148-4A>T

Gene: NF1 (neurofibromin 1; plus strand). Cytogenetic location: 17q11.2.
Variant type: single nucleotide variant.
Coding change: c.6148-4A>T on transcript NM_001042492.3 (MANE Select); 4 bases into the intron before coding-DNA position 6148, A replaced by T.
Molecular consequence: intron variant.
Genome position (GRCh38, 1-based): chr17:31,336,631, A>T. VCF-style: chr17-31336631-A-T. GRCh37 (hg19) VCF-style: chr17-29663649-A-T.
Other names: c.6085-4A>T (NM_000267.4).
Identifiers: ClinVar variation 826175 (VCV000826175.4), dbSNP rs1597842686, ClinGen allele CA915949904.
Genomic context (GRCh38, chr17:31,336,631, plus strand): 5'-TTTGTGCTAAAACTTTGAGTCCCATGTTTTTTTTTTTAAAAAAAAAAATCCTGCTTCTTT[A>T]CAGGTTATTGGAAGGATGTGCAAAATAATTGACAAGACATGCTTATCTCCAACTCCTACT-3'

ClinVar aggregate classification (germline): Uncertain significance (1 of 4 stars; one submission).

Conditions:
Hereditary cancer-predisposing syndrome. Also called: Neoplastic Syndromes, Hereditary; Tumor predisposition; Hereditary neoplastic syndrome; Hereditary Cancer Syndrome. Identifiers: Orphanet 140162, MedGen C0027672, MeSH D009386, MONDO:0015356.
Cardiovascular phenotype. Identifiers: MedGen CN230736.

Submission:

Ambry Genetics
Classification: Uncertain significance for Cardiovascular phenotype; Hereditary cancer-predisposing syndrome. Last evaluated: 2018-09-07. Review status: criteria provided, single submitter. Criteria: Ambry Variant Classification Scheme 2023. Collection method: clinical testing. Allele origin: germline.
Comment: The c.6085-4A>T intronic variant results from an A to T substitution 4 nucleotides upstream from coding exon 41 in the NF1 gene. This nucleotide position is poorly conserved in available vertebrate species. Using the BDGP and ESEfinder splice site prediction tools, this alteration is not predicted to have any significant effect on this splice acceptor site; however, direct evidence is unavailable. Since supporting evidence is limited at this time, the clinical significance of this alteration remains unclear.